The following is an entry in ClinVar:

NM_183357.3(ADCY5):c.2088+5G>C

Gene: ADCY5 (adenylate cyclase 5; minus strand). Cytogenetic location: 3q21.1.
Variant type: single nucleotide variant.
Coding change: c.2088+5G>C on transcript NM_183357.3 (MANE Select); 5 bases into the intron after coding-DNA position 2088, G replaced by C.
Molecular consequence: intron variant.
Genome position (GRCh38, 1-based): chr3:123,325,317, C>G on the plus strand (G>C on the coding strand, the complement: ADCY5 is on the minus strand). VCF-style: chr3-123325317-C-G. GRCh37 (hg19) VCF-style: chr3-123044164-C-G.
Other names: c.1038+5G>C (NM_001199642.1); c.2088+5G>C (NM_001378259.1).
Identifiers: ClinVar variation 3775220 (VCV003775220.1).

ClinVar aggregate classification (germline): Uncertain significance (1 of 4 stars; one submission).

Conditions:
Dyskinesia with orofacial involvement, autosomal dominant (DSKOD). Also called: Familial dyskinesia and facial myokymia; Dyskinesia, familial, with facial myokymia; Familial Dyskinesia with Facial Myokymia (FDFM). Identifiers: Orphanet 324588, MedGen C1847627, MONDO:0800028, OMIM 606703.

Submission:

3billion
Classification: Uncertain significance for Dyskinesia with orofacial involvement, autosomal dominant. Last evaluated: 2024-03-14. Review status: criteria provided, single submitter. Criteria: ACMG Guidelines, 2015. Collection method: clinical testing. Allele origin: germline. Affected: yes.
Comment: The variant is not observed in the gnomAD v2.1.1 dataset. Predicted Consequence/Location: Intron variant In silico tools predict the variant to alter splicing and produce an abnormal transcript [SpliceAI: 0.73 (>=0.2, moderate evidence for spliceogenicity)]. Therefore, this variant is classified as VUS according to the recommendation of ACMG/AMP guideline.